The following is an entry in ClinVar:

ClinVar aggregate classification (germline): Uncertain significance (1 of 4 stars; one submission).

Allele frequency attached by ClinVar (database versions not stated): TOPMed below 0.00001.
gnomAD v4.1: 22 of 1,573,670 alleles (0.0014%); highest among the groups gnomAD compares: South Asian, 0.02%; no homozygotes.

Submission:

Labcorp Genetics (formerly Invitae), Labcorp
Classification: Uncertain significance. Last evaluated: 2025-04-07. Review status: criteria provided, single submitter. Criteria: Invitae Variant Classification Sherloc (09022015). Collection method: clinical testing. Allele origin: germline.
Comment: This sequence change replaces glycine, which is neutral and non-polar, with valine, which is neutral and non-polar, at codon 2885 of the DCHS1 protein (p.Gly2885Val). This variant is present in population databases (rs771010003, gnomAD 0.02%). This variant has not been reported in the literature in individuals affected with DCHS1-related conditions. ClinVar contains an entry for this variant (Variation ID: 1514722). Invitae Evidence Modeling of protein sequence and biophysical properties (such as structural, functional, and spatial information, amino acid conservation, physicochemical variation, residue mobility, and thermodynamic stability) indicates that this missense variant is not expected to disrupt DCHS1 protein function with a negative predictive value of 95%. In summary, the available evidence is currently insufficient to determine the role of this variant in disease. Therefore, it has been classified as a Variant of Uncertain Significance.

NM_003737.4(DCHS1):c.8654G>T (p.Gly2885Val)

Gene: DCHS1 (dachsous cadherin-related 1; minus strand). Cytogenetic location: 11p15.4.
Variant type: single nucleotide variant.
Coding change: c.8654G>T on transcript NM_003737.4 (MANE Select); coding-DNA position 8654, G replaced by T.
Protein change: p.Gly2885Val; replaces glycine 2885 with valine.
Molecular consequence: missense variant.
Genome position (GRCh38, 1-based): chr11:6,623,022, C>A on the plus strand (G>T on the coding strand, the complement: DCHS1 is on the minus strand). VCF-style: chr11-6623022-C-A. GRCh37 (hg19) VCF-style: chr11-6644253-C-A.
Other names: short protein forms G2885V.
Identifiers: ClinVar variation 1514722 (VCV001514722.6), dbSNP rs771010003, ClinGen allele CA5859384.